The following is an entry in ClinVar:

ClinVar aggregate classification (germline): Uncertain significance (1 of 4 stars; one submission).

Conditions:
Hereditary spastic paraplegia 62. Also called: Spastic paraplegia 62, autosomal recessive. Identifiers: Orphanet 401785, MedGen C4284588, MONDO:0014302, OMIM 615681.

Allele frequency attached by ClinVar (database versions not stated): ExAC 0.00005; TOPMed 0.00005; gnomAD exomes 0.00006; gnomAD 0.00008 and 0.00009.
gnomAD v4.1: 69 of 1,613,680 alleles (0.0043%); highest among the groups gnomAD compares: Middle Eastern, 0.033%; no homozygotes.

Submission:

Labcorp Genetics (formerly Invitae), Labcorp
Classification: Uncertain significance for Hereditary spastic paraplegia 62. Last evaluated: 2021-11-08. Review status: criteria provided, single submitter. Criteria: Invitae Variant Classification Sherloc (09022015). Collection method: clinical testing. Allele origin: germline.
Comment: This sequence change replaces serine, which is neutral and polar, with tyrosine, which is neutral and polar, at codon 293 of the ERLIN1 protein (p.Ser293Tyr). This variant is present in population databases (rs755659573, gnomAD 0.08%). This variant has not been reported in the literature in individuals affected with ERLIN1-related conditions. Algorithms developed to predict the effect of missense changes on protein structure and function are either unavailable or do not agree on the potential impact of this missense change (SIFT: "Deleterious"; PolyPhen-2: "Benign"; Align-GVGD: "Class C15"). In summary, the available evidence is currently insufficient to determine the role of this variant in disease. Therefore, it has been classified as a Variant of Uncertain Significance.

NM_006459.4(ERLIN1):c.878C>A (p.Ser293Tyr)

Gene: ERLIN1 (ER lipid raft associated 1; minus strand). Cytogenetic location: 10q24.31.
Variant type: single nucleotide variant.
Coding change: c.878C>A on transcript NM_006459.4 (MANE Select); coding-DNA position 878, C replaced by A.
Protein change: p.Ser293Tyr; replaces serine 293 with tyrosine.
Molecular consequence: missense variant. On other transcripts: non-coding transcript variant (6).
Genome position (GRCh38, 1-based): chr10:100,152,300, G>T on the plus strand (C>A on the coding strand, the complement: ERLIN1 is on the minus strand). VCF-style: chr10-100152300-G-T. GRCh37 (hg19) VCF-style: chr10-101912057-G-T.
Other names: c.878C>A, p.Ser293Tyr (NM_001100626.2, NM_001347857.2, NM_001347859.2 and 2 more transcripts); c.626C>A, p.Ser209Tyr (NM_001347856.2); c.398C>A, p.Ser133Tyr (NM_001347858.2); short protein forms S209Y, S133Y, S293Y.
Identifiers: ClinVar variation 1413885 (VCV001413885.3), dbSNP rs755659573, ClinGen allele CA5645966.